The following is an entry in ClinVar:

NM_001743.6(CALM2):c.390T>A (p.Asp130Glu)

Gene: CALM2 (calmodulin 2; minus strand). Cytogenetic location: 2p21.
Variant type: single nucleotide variant.
Coding change: c.390T>A on transcript NM_001743.6 (MANE Select); coding-DNA position 390, T replaced by A.
Protein change: p.Asp130Glu; replaces aspartic acid 130 with glutamic acid.
Molecular consequence: missense variant.
Genome position (GRCh38, 1-based): chr2:47,161,754, A>T on the plus strand (T>A on the coding strand, the complement: CALM2 is on the minus strand). VCF-style: chr2-47161754-A-T. GRCh37 (hg19) VCF-style: chr2-47388893-A-T.
Other names: p.Asp130Glu; c.534T>A, p.Asp178Glu (NM_001305624.1); c.282T>A, p.Asp94Glu (NM_001305625.2, NM_001305626.1); short protein forms D130E, D178E, D94E.
Identifiers: ClinVar variation 4886950 (VCV004886950.1).
Genomic context (GRCh38, chr2:47,161,754, plus strand): 5'-AGAATGAGGCGTGAGACTGAAACATTTACCTTCATAGTTTACTTGACCATCACCATCAAT[A>T]TCTGCTTCCCTGATCATTTCATCAACTTCTTCATCTGTTAACTTCTCTCCAAGGTTTGTC-3'
Protein context (NP_001734.1, residues 120-140): EEVDEMIREA[Asp130Glu]IDGDGQVNYE

ClinVar aggregate classification (germline): Likely pathogenic (1 of 4 stars; one submission).

Conditions:
Long QT syndrome 15 (LQT15). Identifiers: Orphanet 101016, Orphanet 768, MedGen C4015695, MONDO:0014550, OMIM 616249.

Submission:

Department of Molecular Genetics, Istishari Arab Hospital
Classification: Likely pathogenic for Long QT syndrome 15. Last evaluated: 2026-08-27. Review status: criteria provided, single submitter. Criteria: ACMG Guidelines, 2015. Collection method: clinical testing. Allele origin: germline. Inheritance: Autosomal dominant inheritance. Affected: yes.
Comment: The CALM2 variant c.390T>A, p.Asp130Glu creates an amino acid change from Asp to Glu at codon 130 in exon 5 (out of 6 exons). The variant is not observed in the gnomAD v4.1.0 dataset. A different amino acid change (p.Asp130Gly; p.Asp130Asn) at the same codon was previously reported to be pathogenic for autosomal dominant Long QT syndrome 15 (PMID: 23388215, 26164367, 27165696, 26969752). It is classified as likely pathogenic according to the recommendations of ACMG/AMP/ClinGen SVI guidelines.

Literature cited by the submitters: PubMed 23388215; PubMed 26164367; PubMed 27165696; PubMed 26969752.